The following is an entry in ClinVar:

NM_177438.3(DICER1):c.3267del (p.Phe1089fs)

Gene: DICER1 (dicer 1, ribonuclease III; minus strand). Cytogenetic location: 14q32.13.
Variant type: Deletion.
Coding change: c.3267del on transcript NM_177438.3 (MANE Select); coding-DNA position 3267, one base deleted (T; older notation c.3267delT).
Protein change: p.Phe1089fs; shifts the reading frame from phenylalanine 1089.
Molecular consequence: frameshift variant. On other transcripts: non-coding transcript variant (6).
Genome position (GRCh38, 1-based): chr14:95,105,073, A deleted on the plus strand (T on the coding strand, the reverse complement: DICER1 is on the minus strand); the first of 4 consecutive A bases (chr14:95,105,073-95,105,076); deleting any one gives the same sequence. VCF-style (leftmost placement, unchanged base first): chr14-95105072-TA-T. GRCh37 (hg19) VCF-style: chr14-95571409-TA-T.
Other names: c.1584del, p.Phe528fs (NM_001395697.1); c.3267del, p.Phe1089fs (NM_030621.4, NM_001395692.1, NM_001395693.1 and 12 more transcripts); c.2862del, p.Phe954fs (NM_001395687.1, NM_001395688.1, NM_001395689.1 and 2 more transcripts); c.2700del, p.Phe900fs (NM_001395691.1); c.2985del, p.Phe995fs (NM_001395686.1); short protein forms F1089fs, F528fs, F900fs, F954fs, F995fs.
Identifiers: ClinVar variation 4530096 (VCV004530096.1).

ClinVar aggregate classification (somatic clinical impact): Tier I - Strong (1 of 4 stars; one submission).

Conditions:
Central nervous system mesenchymal non-meningothelial tumor. Identifiers: MedGen C1332893, MONDO:0003244.

Submission:

Institute for Genomic Medicine (IGM) Clinical Laboratory, Nationwide Children's Hospital
Classification: Tier I - Strong for Central nervous system mesenchymal non-meningothelial tumor. Assertion type: diagnostic. Clinical significance: supports diagnosis. Last evaluated: 2025-10-23. Review status: criteria provided, single submitter. Criteria: AMP/ASCO/CAP Guidelines, 2017. Collection method: clinical testing. Allele origin: somatic. Affected: yes.
Comment: Variant has Tier I (strong) clinical significance as a diagnostic inclusion criterion in central nervous system mesenchymal non-meningothelial tumor, based on the following evidence: 1) Information in the literature supports potential biologic effect of variant. 2) Diagnostic for a specific tumor type/classification based on well-powered studies with expert-level consensus (Evidence Level B; PMIDs: 29881993, 30649606, 32291395).

Literature cited by the submitters: PubMed 29881993; PubMed 30649606; PubMed 32291395.